The following is an entry in ClinVar:

NM_000059.4(BRCA2):c.3447G>A (p.Met1149Ile)

Gene: BRCA2 (BRCA2 DNA repair associated; plus strand). Cytogenetic location: 13q13.1.
Variant type: single nucleotide variant.
Coding change: c.3447G>A on transcript NM_000059.4 (MANE Select); coding-DNA position 3447, G replaced by A.
Protein change: p.Met1149Ile; replaces methionine 1149 with isoleucine.
Molecular consequence: missense variant.
Genome position (GRCh38, 1-based): chr13:32,337,802, G>A. VCF-style: chr13-32337802-G-A. GRCh37 (hg19) VCF-style: chr13-32911939-G-A.
Other names: short protein forms M1149I.
Identifiers: ClinVar variation 233535 (VCV000233535.26), dbSNP rs876660471, ClinGen allele CA10579578.

ClinVar aggregate classification (germline): Conflicting classifications of pathogenicity. Review status: criteria provided, conflicting classifications (1 of 4 stars). 9 submissions from 8 submitters: Uncertain significance (7); Likely benign (2). Last evaluated 2025-11-18.

Conditions:
Breast and/or ovarian cancer. Identifiers: MedGen CN221562.
Hereditary breast ovarian cancer syndrome. Also called: Hereditary breast and ovarian cancer; Breast and ovarian cancer; BRCA1- and BRCA2-Associated Hereditary Breast and Ovarian Cancer; Hereditary breast and ovarian cancer syndrome; Hereditary breast and ovarian cancer syndrome (HBOC); Hereditary breast and/or ovarian cancer syndrome. Identifiers: Orphanet 145, MedGen C0677776, MeSH D061325, MONDO:0003582. Disease mechanism: loss of function.
Hereditary cancer-predisposing syndrome. Also called: Tumor predisposition; Hereditary Cancer Syndrome; Hereditary neoplastic syndrome; Neoplastic Syndromes, Hereditary. Identifiers: Orphanet 140162, MedGen C0027672, MeSH D009386, MONDO:0015356.
Fanconi anemia complementation group D1. Also called: BRCA2-Related Fanconi Anemia. Identifiers: Orphanet 319462, MedGen C1838457, MONDO:0011584, OMIM 605724.
Breast-ovarian cancer, familial, susceptibility to, 2 (BROVCA2). Also called: BRCA2 Hereditary Breast and Ovarian Cancer. Identifiers: Orphanet 145, MedGen C2675520, MONDO:0012933, OMIM 612555. Disease mechanism: loss of function.

Allele frequency attached by ClinVar (database versions not stated): gnomAD exomes below 0.00001; TOPMed below 0.00001.

Submissions (9):

Color Diagnostics, LLC DBA Color Health
Classification: Uncertain significance for Hereditary cancer-predisposing syndrome. Last evaluated: 2025-11-18. Review status: criteria provided, single submitter. Criteria: ACMG Guidelines, 2015. Collection method: clinical testing. Allele origin: germline.
Comment: This missense variant replaces methionine with isoleucine at codon 1149 of the BRCA2 protein. Computational prediction suggests that this variant may not impact protein structure and function. To our knowledge, functional studies have not been reported for this variant. This variant has been reported in individuals affected with prostate cancer (PMID: 21952622, 31874108), or pancreatic cancer (PMID: 28767289, 32659497). This variant has been detected in a breast cancer case-control meta-analysis in 3/60466 cases and 1/53461 unaffected individuals (PMID: 33471991LOVD DB-ID BRCA2_001835). Multifactorial analysis reached a combined likelihood ratio (LR) of 1.12 based on case-control data and personal and family history for 2 carriers (PMID: 31853058, 40413188). This variant has been identified in 16/1614044 chromosomes in the general population by the Genome Aggregation Database (gnomAD). The available evidence is insufficient to determine the role of this variant in disease conclusively. Therefore, this variant is classified as a Variant of Uncertain Significance.

Labcorp Genetics (formerly Invitae), Labcorp
Classification: Uncertain significance for Hereditary breast ovarian cancer syndrome. Last evaluated: 2025-11-05. Review status: criteria provided, single submitter. Criteria: Invitae Variant Classification Sherloc (09022015). Collection method: clinical testing. Allele origin: germline.
Comment: This sequence change replaces methionine, which is neutral and non-polar, with isoleucine, which is neutral and non-polar, at codon 1149 of the BRCA2 protein (p.Met1149Ile). This variant is present in population databases (no rsID available, gnomAD 0.003%). This missense change has been observed in individual(s) with pancreatic cancer and/or prostate cancer (PMID: 21952622, 28767289, 32659497, 35218119). ClinVar contains an entry for this variant (Variation ID: 233535). Invitae Evidence Modeling of protein sequence and biophysical properties (such as structural, functional, and spatial information, amino acid conservation, physicochemical variation, residue mobility, and thermodynamic stability) indicates that this missense variant is not expected to disrupt BRCA2 protein function with a negative predictive value of 95%. In summary, the available evidence is currently insufficient to determine the role of this variant in disease. Therefore, it has been classified as a Variant of Uncertain Significance.

Ambry Genetics
Classification: Likely benign for Hereditary cancer-predisposing syndrome. Last evaluated: 2024-10-18. Review status: criteria provided, single submitter. Criteria: Ambry Variant Classification Scheme 2023. Collection method: clinical testing. Allele origin: germline.

All of Us Research Program, National Institutes of Health
Classification: Uncertain significance for Breast-ovarian cancer, familial, susceptibility to, 2. Last evaluated: 2023-12-13. Review status: criteria provided, single submitter. Criteria: ACMG Guidelines, 2015. Collection method: clinical testing. Allele origin: germline. Inheritance: Autosomal dominant inheritance. Observed: 2 variant alleles, 2 heterozygotes.
Comment: This missense variant replaces methionine with isoleucine at codon 1149 of the BRCA2 protein. Computational prediction suggests that this variant may not impact protein structure and function (internally defined REVEL score threshold <= 0.5, PMID: 27666373). To our knowledge, functional studies have not been reported for this variant. This variant has been reported in individuals affected with prostate cancer (PMID: 21952622, 31874108) or pancreatic cancer (PMID: 28767289, 32659497). In a large breast cancer case-control meta-analysis conducted by the BRIDGES consortium, this variant was reported in 3/60466 cases and 1/53461 unaffected controls (PMID: 33471991; Leiden Open Variation Database DB-ID BRCA2_001835). This variant has been identified in 1/250982 chromosomes in the general population by the Genome Aggregation Database (gnomAD). The available evidence is insufficient to determine the role of this variant in disease conclusively. Therefore, this variant is classified as a Variant of Uncertain Significance.

This study involves interpretation of variants in research participants for the purpose of population health screening. Participant phenotype was not available at the time of variant classification. Additional details can be found in publication PMID: 35346344, PMCID: PMC8962531

University of Washington Department of Laboratory Medicine, University of Washington
Classification: Likely benign for Hereditary cancer-predisposing syndrome. Last evaluated: 2023-03-23. Review status: criteria provided, single submitter. Criteria: Dines et al. (Genet Med. 2020). Collection method: curation. Allele origin: germline.
Comment: Missense variant in a coldspot region where missense variants are very unlikely to be pathogenic (PMID:31911673).

BRCA2 exon 11 coldspot. Reclassification based on statistical prior probability.

CHEO Genetics Diagnostic Laboratory, Children's Hospital of Eastern Ontario
Classification: Uncertain significance for Breast and/or ovarian cancer. Last evaluated: 2021-09-27. Review status: criteria provided, single submitter. Criteria: ACMG Guidelines, 2015. Collection method: clinical testing. Allele origin: germline.

Quest Diagnostics Nichols Institute San Juan Capistrano
Classification: Uncertain significance. Last evaluated: 2021-08-20. Review status: criteria provided, single submitter. Criteria: Quest Diagnostics criteria. Collection method: clinical testing. Allele origin: unknown.

Illumina Laboratory Services, Illumina
Classification: Uncertain significance for Breast-ovarian cancer, familial, susceptibility to, 2. Last evaluated: 2017-04-27. Review status: criteria provided, single submitter. Criteria: ICSL Variant Classification Criteria 13 December 2019. Collection method: clinical testing. Allele origin: germline.

Illumina Laboratory Services, Illumina
Classification: Uncertain significance for Fanconi anemia complementation group D1. Last evaluated: 2017-04-27. Review status: criteria provided, single submitter. Criteria: ICSL Variant Classification Criteria 13 December 2019. Collection method: clinical testing. Allele origin: germline.

Literature cited by the submitters: PubMed 21952622 (cited by 4 submitters); PubMed 28767289 (cited by 4 submitters); PubMed 31853058 (cited by Color Diagnostics, LLC DBA Color Health); PubMed 31874108 (cited by Color Diagnostics, LLC DBA Color Health and All of Us Research Program, National Institutes of Health); PubMed 32659497 (cited by 5 submitters); PubMed 33471991 (cited by Color Diagnostics, LLC DBA Color Health and All of Us Research Program, National Institutes of Health); PubMed 40413188 (cited by Color Diagnostics, LLC DBA Color Health); PubMed 35218119 (cited by Labcorp Genetics (formerly Invitae), Labcorp).